The following is an entry in ClinVar:

ClinVar aggregate classification (germline): Likely pathogenic (1 of 4 stars; one submission).

Conditions:
Spermatogenic failure 39. Identifiers: MedGen C5231438, MONDO:0032845, OMIM 618643.

gnomAD v4.1: 15 of 1,607,084 alleles (0.00093%); highest among the groups gnomAD compares: South Asian, 0.0044%; no homozygotes.

Submission:

Juno Genomics, Hangzhou Juno Genomics, Inc
Classification: Likely pathogenic for Spermatogenic failure 39. Review status: criteria provided, single submitter. Criteria: ACMG Guidelines, 2015. Collection method: clinical testing. Allele origin: germline. Affected: yes.
Comment: Absent from controls (or at extremely low frequency if recessive) in Genome Aggregation Database, Exome Sequencing Project, 1000 Genomes Project, or Exome Aggregation Consortium.;Null variant in a gene where loss of function (LOF) is a known mechanism of disease.

NM_173628.4(DNAH17):c.8821C>T (p.Arg2941Ter)

Gene: DNAH17 (dynein axonemal heavy chain 17; minus strand). Cytogenetic location: 17q25.3.
Variant type: single nucleotide variant.
Coding change: c.8821C>T on transcript NM_173628.4 (MANE Select); coding-DNA position 8821, C replaced by T.
Protein change: p.Arg2941Ter; replaces arginine 2941 with a stop codon.
Molecular consequence: nonsense.
Genome position (GRCh38, 1-based): chr17:78,466,774, G>A on the plus strand (C>T on the coding strand, the complement: DNAH17 is on the minus strand). VCF-style: chr17-78466774-G-A. GRCh37 (hg19) VCF-style: chr17-76462856-G-A.
Other names: short protein forms R2941*.
Identifiers: ClinVar variation 3382358 (VCV003382358.2).